The following is an entry in ClinVar:

NM_001042492.3(NF1):c.785del (p.Arg262fs)

Gene: NF1 (neurofibromin 1; plus strand). Cytogenetic location: 17q11.2.
Variant type: Deletion.
Coding change: c.785del on transcript NM_001042492.3 (MANE Select); coding-DNA position 785, one base deleted (G; older notation c.785delG).
Protein change: p.Arg262fs; shifts the reading frame from arginine 262.
Molecular consequence: frameshift variant.
Genome position (GRCh38, 1-based): chr17:31,182,562, G deleted. VCF-style (leftmost placement, unchanged base first): chr17-31182561-CG-C. GRCh37 (hg19) VCF-style: chr17-29509579-CG-C.
Other names: c.785delG, p.Arg262Leufs (NM_000267.4); c.785del, p.Arg262fs (NM_001128147.3); short protein forms R262fs.
Identifiers: ClinVar variation 1412444 (VCV001412444.6), dbSNP rs2143785630, ClinGen allele CA2573153738.
Genomic context (GRCh38, chr17:31,182,561, plus strand): 5'-CATGCAGAATGTGCAGAAAAGCTATTTGACTTGGTGGATGGTTTTGCTGAAAGCACCAAA[CG>C]TAAAGCAGCAGTTTGGCCACTACAAATCATTCTCCTTATCTTGTGTCCAGAAATAATCCA-3'

ClinVar aggregate classification (germline): Pathogenic (1 of 4 stars; one submission).

Conditions:
Neurofibromatosis, type 1 (NF1). Also called: Peripheral type neurofibromatosis; Neurofibromatosis, type I; VON RECKLINGHAUSEN DISEASE; NEUROFIBROMATOSIS, TYPE I, SOMATIC. Identifiers: Orphanet 636, MedGen C0027831, MONDO:0018975, OMIM 162200. Disease mechanism: loss of function.

Submission:

Labcorp Genetics (formerly Invitae), Labcorp
Classification: Pathogenic for Neurofibromatosis, type 1. Last evaluated: 2021-02-15. Review status: criteria provided, single submitter. Criteria: Invitae Variant Classification Sherloc (09022015). Collection method: clinical testing. Allele origin: germline.
Comment: For these reasons, this variant has been classified as Pathogenic. This variant has not been reported in the literature in individuals with NF1-related conditions. This variant is not present in population databases (ExAC no frequency). This sequence change creates a premature translational stop signal (p.Arg262Leufs*19) in the NF1 gene. It is expected to result in an absent or disrupted protein product. Loss-of-function variants in NF1 are known to be pathogenic (PMID: 10712197, 23913538).

Literature cited by the submitters: PubMed 10712197; PubMed 23913538.